The following is an entry in ClinVar:

NM_001114753.3(ENG):c.1686+1G>C

Genes: ENG (endoglin; minus strand), LOC102723566 (uncharacterized LOC102723566; plus strand). Cytogenetic location: 9q34.11.
Variant type: single nucleotide variant.
Coding change: c.1686+1G>C on transcript NM_001114753.3 (MANE Select); the canonical splice donor site of the intron after coding-DNA position 1686, G replaced by C.
Molecular consequence: splice donor variant.
Genome position (GRCh38, 1-based): chr9:127,818,119, C>G on the plus strand (G>C on the coding strand, the complement: ENG is on the minus strand). VCF-style: chr9-127818119-C-G. GRCh37 (hg19) VCF-style: chr9-130580398-C-G.
Other names: c.1686+1G>C (NM_000118.4); c.1140+1G>C (NM_001278138.2).
Identifiers: ClinVar variation 1777993 (VCV001777993.2), dbSNP rs1554809228, ClinGen allele CA374973967.

ClinVar aggregate classification (germline): Likely pathogenic (1 of 4 stars; one submission).

Conditions:
Cardiovascular phenotype. Identifiers: MedGen CN230736.

Submission:

Ambry Genetics
Classification: Likely pathogenic for Cardiovascular phenotype. Last evaluated: 2020-01-23. Review status: criteria provided, single submitter. Criteria: Ambry Variant Classification Scheme 2023. Collection method: clinical testing. Allele origin: germline.
Comment: The c.1686+1G>C intronic variant results from a G to C substitution one nucleotide after coding exon 12 of the ENG gene. This nucleotide position is highly conserved in available vertebrate species. Using the BDGP and ESEfinder splice site prediction tools, this alteration is predicted to abolish the native splice donor site; however, direct evidence is unavailable. A known disease-causing mutations, c.1686+1G>A, has been described at the same location in individuals with hereditary hemorrhagic telangiectasia (Lux A et al. Orphanet J Rare Dis, 2013 Jun;8:94; Heimdal K et al. Clin. Genet., 2016 Feb;89:182-6). Alterations that disrupt the canonical splice site are expected to cause aberrant splicing, resulting in an abnormal protein or a transcript that is subject to nonsense-mediated mRNA decay. As such, this alteration is classified as likely pathogenic.